The following is an entry in ClinVar:

ClinVar aggregate classification (germline): Uncertain significance (1 of 4 stars; one submission).

Submission:

Mayo Clinic Laboratories, Mayo Clinic
Classification: Uncertain significance. Last evaluated: 2025-03-12. Review status: criteria provided, single submitter. Criteria: ACMG Guidelines, 2015. Collection method: clinical testing. Allele origin: germline. Observed: 1 variant allele.
Comment: PP3_strong, PM2_supporting

NM_000188.3(HK1):c.872A>T (p.Gln291Leu)

Gene: HK1 (hexokinase 1; plus strand). Cytogenetic location: 10q22.1.
Variant type: single nucleotide variant.
Coding change: c.872A>T on transcript NM_000188.3 (MANE Select); coding-DNA position 872, A replaced by T.
Protein change: p.Gln291Leu; replaces glutamine 291 with leucine.
Molecular consequence: missense variant. On other transcripts: 5 prime UTR variant (1), non-coding transcript variant (2).
Genome position (GRCh38, 1-based): chr10:69,369,621, A>T. VCF-style: chr10-69369621-A-T. GRCh37 (hg19) VCF-style: chr10-71129377-A-T.
Other names: p.Gln290Leu; c.884A>T, p.Gln295Leu (NM_001322364.2, NM_001358263.1, NM_033497.3 and 1 more transcripts); c.977A>T, p.Gln326Leu (NM_001322365.2); c.788A>T, p.Gln263Leu (NM_001322366.1, NM_001441143.1); c.776A>T, p.Gln259Leu (NM_001322367.1); c.872A>T, p.Gln291Leu (NM_001441139.1, NM_001441141.1, NM_001441145.1 and 3 more transcripts); c.863A>T, p.Gln288Leu (NM_001441140.1); c.830A>T, p.Gln277Leu (NM_001441142.1); and 8 more; short protein forms Q326L, Q78L, Q169L, Q217L, Q53L, Q259L, Q288L, Q290L.
Identifiers: ClinVar variation 4541546 (VCV004541546.1).
Genomic context (GRCh38, chr10:69,369,621, plus strand): 5'-AAGACATCCGGACAGAGTTTGACAGGGAGATAGACCGGGGATCCCTCAACCCTGGAAAAC[A>T]GCTGTGAGTCCTTGACTTTTGCTTCTAACCACATATGTGAGTTAGGGGACATTTGATGAA-3'
Protein context (NP_000179.2, residues 281-301): IDRGSLNPGK[Gln291Leu]LFEKMVSGMY